The following is an entry in ClinVar:

ClinVar aggregate classification (germline): Pathogenic (1 of 4 stars; one submission).

Conditions:
Hereditary cancer-predisposing syndrome. Also called: Hereditary Cancer Syndrome; Hereditary neoplastic syndrome; Neoplastic Syndromes, Hereditary; Tumor predisposition. Identifiers: Orphanet 140162, MedGen C0027672, MeSH D009386, MONDO:0015356.

Allele frequency attached by ClinVar (database versions not stated): gnomAD exomes below 0.00001.

Submission:

Ambry Genetics
Classification: Pathogenic for Hereditary cancer-predisposing syndrome. Last evaluated: 2020-06-24. Review status: criteria provided, single submitter. Criteria: Ambry Variant Classification Scheme 2023. Collection method: clinical testing. Allele origin: germline.
Comment: The c.1424delT pathogenic mutation, located in coding exon 11 of the NBN gene, results from a deletion of one nucleotide at nucleotide position 1424, causing a translational frameshift with a predicted alternate stop codon (p.M475Sfs*9). This alteration is expected to result in loss of function by premature protein truncation or nonsense-mediated mRNA decay. As such, this alteration is interpreted as a disease-causing mutation.

NM_002485.5(NBN):c.1424del (p.Met475fs)

Gene: NBN (nibrin; minus strand). Cytogenetic location: 8q21.3.
Variant type: Deletion.
Coding change: c.1424del on transcript NM_002485.5 (MANE Select); coding-DNA position 1424, one base deleted (T; older notation c.1424delT).
Protein change: p.Met475fs; shifts the reading frame from methionine 475.
Molecular consequence: frameshift variant.
Genome position (GRCh38, 1-based): chr8:89,953,665, A deleted on the plus strand (T on the coding strand, the reverse complement: NBN is on the minus strand). VCF-style (leftmost placement, unchanged base first): chr8-89953664-CA-C. GRCh37 (hg19) VCF-style: chr8-90965892-CA-C.
Other names: c.1178del, p.Met393fs (NM_001024688.3); short protein forms M393fs, M475fs.
Identifiers: ClinVar variation 1772334 (VCV001772334.2), dbSNP rs2488234315, ClinGen allele CA2580079075.